The following is an entry in ClinVar:

NM_201253.3(CRB1):c.1048T>C (p.Ser350Pro)

Gene: CRB1 (crumbs cell polarity complex component 1; plus strand). Cytogenetic location: 1q31.3.
Variant type: single nucleotide variant.
Coding change: c.1048T>C on transcript NM_201253.3 (MANE Select); coding-DNA position 1048, T replaced by C.
Protein change: p.Ser350Pro; replaces serine 350 with proline.
Molecular consequence: missense variant. On other transcripts: non-coding transcript variant (2).
Genome position (GRCh38, 1-based): chr1:197,356,890, T>C. VCF-style: chr1-197356890-T-C. GRCh37 (hg19) VCF-style: chr1-197326020-T-C.
Other names: c.841T>C, p.Ser281Pro (NM_001257965.2); c.712T>C, p.Ser238Pro (NM_001193640.2); c.1048T>C, p.Ser350Pro (NM_001257966.2); short protein forms S238P, S281P, S350P.
Identifiers: ClinVar variation 1717291 (VCV001717291.5), dbSNP rs2527715609, ClinGen allele CA344084428.
Genomic context (GRCh38, chr1:197,356,890, plus strand): 5'-GGATACACAGGTGCCCAGTGTGAGATCGACCTCAATGAATGCAATAGTAACCCCTGCCAG[T>C]CCAATGGGGAATGTGTGGAGCTGTCCTCAGAGAAACAATATGGACGCATCACTGGACTGC-3'
Protein context (NP_957705.1, residues 340-360): LNECNSNPCQ[Ser350Pro]NGECVELSSE

ClinVar aggregate classification (germline): Uncertain significance (1 of 4 stars; one submission).

Conditions:
Retinitis pigmentosa 12 (RP12). Also called: RP WITH OR WITHOUT PPRPE; RP WITH OR WITHOUT PRESERVED PARAARTERIOLE RETINAL PIGMENT EPITHELIUM; RETINITIS PIGMENTOSA WITH OR WITHOUT PARAARTERIOLAR PRESERVATION OF RETINAL PIGMENT EPITHELIUM. Identifiers: Orphanet 791, MedGen C1838647, MONDO:0010818, OMIM 600105.
Leber congenital amaurosis 8 (LCA8). Identifiers: Orphanet 65, MedGen C3151202, MONDO:0013453, OMIM 613835.

Submission:

Labcorp Genetics (formerly Invitae), Labcorp
Classification: Uncertain significance for Leber congenital amaurosis 8; Retinitis pigmentosa 12. Last evaluated: 2022-09-13. Review status: criteria provided, single submitter. Criteria: Invitae Variant Classification Sherloc (09022015). Collection method: clinical testing. Allele origin: germline.
Comment: In summary, the available evidence is currently insufficient to determine the role of this variant in disease. Therefore, it has been classified as a Variant of Uncertain Significance. Advanced modeling of protein sequence and biophysical properties (such as structural, functional, and spatial information, amino acid conservation, physicochemical variation, residue mobility, and thermodynamic stability) performed at Invitae indicates that this missense variant is not expected to disrupt CRB1 protein function. This variant has not been reported in the literature in individuals affected with CRB1-related conditions. This variant is not present in population databases (gnomAD no frequency). This sequence change replaces serine, which is neutral and polar, with proline, which is neutral and non-polar, at codon 350 of the CRB1 protein (p.Ser350Pro).